The following is an entry in ClinVar:

ClinVar aggregate classification (germline): Likely pathogenic (1 of 4 stars; one submission).

Submission:

Labcorp Genetics (formerly Invitae), Labcorp
Classification: Likely pathogenic. Last evaluated: 2022-07-30. Review status: criteria provided, single submitter. Criteria: Invitae Variant Classification Sherloc (09022015). Collection method: clinical testing. Allele origin: germline.
Comment: This variant has not been reported in the literature in individuals affected with CYP11B2-related conditions. In summary, the currently available evidence indicates that the variant is pathogenic, but additional data are needed to prove that conclusively. Therefore, this variant has been classified as Likely Pathogenic. Algorithms developed to predict the effect of sequence changes on RNA splicing suggest that this variant may disrupt the consensus splice site. This variant is not present in population databases (gnomAD no frequency). This sequence change affects a donor splice site in intron 5 of the CYP11B2 gene. It is expected to disrupt RNA splicing. Variants that disrupt the donor or acceptor splice site typically lead to a loss of protein function (PMID: 16199547), and loss-of-function variants in CYP11B2 are known to be pathogenic (PMID: 20494601, 22801770, 26936515).

Literature cited by the submitters: PubMed 16199547; PubMed 20494601; PubMed 22801770; PubMed 26936515.

NM_000498.3(CYP11B2):c.954+1G>A

Genes: CYP11B2 (cytochrome P450 family 11 subfamily B member 2; minus strand), LOC106799834 (CYP11B2 recombination region; plus strand). Cytogenetic location: 8q24.3.
Variant type: single nucleotide variant.
Coding change: c.954+1G>A on transcript NM_000498.3 (MANE Select); the canonical splice donor site of the intron after coding-DNA position 954, G replaced by A.
Molecular consequence: splice donor variant.
Genome position (GRCh38, 1-based): chr8:142,914,263, C>T on the plus strand (G>A on the coding strand, the complement: CYP11B2 is on the minus strand). VCF-style: chr8-142914263-C-T. GRCh37 (hg19) VCF-style: chr8-143995679-C-T.
Identifiers: ClinVar variation 2020651 (VCV002020651.4), dbSNP rs2488699866, ClinGen allele CA372388345.